The following is an entry in ClinVar:

NM_033130.5(SIGLEC10):c.1779G>A (p.Thr593=)

Gene: SIGLEC10 (sialic acid binding Ig like lectin 10; minus strand). Cytogenetic location: 19q13.41.
Variant type: single nucleotide variant.
Coding change: c.1779G>A on transcript NM_033130.5 (MANE Select); coding-DNA position 1779, G replaced by A.
Protein change: p.Thr593=; no amino-acid change (threonine 593 retained).
Molecular consequence: synonymous variant.
Genome position (GRCh38, 1-based): chr19:51,413,754, C>T on the plus strand (G>A on the coding strand, the complement: SIGLEC10 is on the minus strand). VCF-style: chr19-51413754-C-T. GRCh37 (hg19) VCF-style: chr19-51917008-C-T.
Other names: c.1605G>A, p.Thr535= (NM_001171156.2); c.1494G>A, p.Thr498= (NM_001171157.2); c.1350G>A, p.Thr450= (NM_001171158.2); c.1320G>A, p.Thr440= (NM_001171159.2); c.1050G>A, p.Thr350= (NM_001171161.2); c.1224G>A, p.Thr408= (NM_001322105.2).
Identifiers: ClinVar variation 774962 (VCV000774962.27), dbSNP rs61741687, ClinGen allele CA9611796.

ClinVar aggregate classification (germline): Benign/Likely benign. Review status: criteria provided, multiple submitters, no conflicts (2 of 4 stars). 2 submissions from 2 submitters: Benign (1); Likely benign (1). Last evaluated 2022-08-01.

Allele frequency attached by ClinVar (database versions not stated): 1000 Genomes Project 30x 0.00031; 1000 Genomes Project 0.00040; TOPMed 0.00207; gnomAD 0.00216 and 0.00220; gnomAD exomes 0.00220; ExAC 0.00227; ESP Exome Variant Server 0.00292.

Submissions (2):

CeGaT Center for Human Genetics Tuebingen
Classification: Likely benign. Last evaluated: 2022-08-01. Review status: criteria provided, single submitter. Criteria: CeGaT Center For Human Genetics Tuebingen Variant Classification Criteria Version 2. Collection method: clinical testing. Allele origin: germline. Affected: yes. Observed: 1 variant allele.
Comment: SIGLEC10: BP4, BP7

Labcorp Genetics (formerly Invitae), Labcorp
Classification: Benign. Last evaluated: 2018-02-07. Review status: criteria provided, single submitter. Criteria: Invitae Variant Classification Sherloc (09022015). Collection method: clinical testing. Allele origin: germline.